The following is an entry in ClinVar:

ClinVar aggregate classification (germline): Likely benign (0 of 4 stars; one submission).

Conditions:
DYRK1B-related disorder. Also called: DYRK1B-related condition.

gnomAD v4.1: 113 of 1,548,538 alleles (0.0073%); highest among the groups gnomAD compares: Non-Finnish European, 0.0087%; no homozygotes.

Submission:

PreventionGenetics, part of Exact Sciences
Classification: Likely benign for DYRK1B-related condition. Last evaluated: 2024-05-24. Review status: no assertion criteria provided. Collection method: clinical testing. Allele origin: germline.
Comment: This variant is classified as likely benign based on ACMG/AMP sequence variant interpretation guidelines (Richards et al. 2015 PMID: 25741868, with internal and published modifications).

NM_004714.3(DYRK1B):c.63+6C>T

Gene: DYRK1B (dual specificity tyrosine phosphorylation regulated kinase 1B; minus strand). Cytogenetic location: 19q13.2.
Variant type: single nucleotide variant.
Coding change: c.63+6C>T on transcript NM_004714.3 (MANE Select); 6 bases into the intron after coding-DNA position 63, C replaced by T.
Molecular consequence: intron variant.
Genome position (GRCh38, 1-based): chr19:39,831,799, G>A on the plus strand (C>T on the coding strand, the complement: DYRK1B is on the minus strand). VCF-style: chr19-39831799-G-A. GRCh37 (hg19) VCF-style: chr19-40322439-G-A.
Other names: c.63+6C>T (NM_006483.3, NM_006484.3).
Identifiers: ClinVar variation 3352794 (VCV003352794.1).